The following is an entry in ClinVar:

ClinVar aggregate classification (germline): Uncertain significance (1 of 4 stars; one submission).

Submission:

Labcorp Genetics (formerly Invitae), Labcorp
Classification: Uncertain significance. Last evaluated: 2023-09-08. Review status: criteria provided, single submitter. Criteria: Invitae Variant Classification Sherloc (09022015). Collection method: clinical testing. Allele origin: germline.
Comment: This sequence change falls in intron 15 of the TAOK2 gene. It does not directly change the encoded amino acid sequence of the TAOK2 protein. It affects a nucleotide within the consensus splice site. This variant is not present in population databases (gnomAD no frequency). This variant has not been reported in the literature in individuals affected with TAOK2-related conditions. Variants that disrupt the consensus splice site are a relatively common cause of aberrant splicing (PMID: 17576681, 9536098). Algorithms developed to predict the effect of sequence changes on RNA splicing suggest that this variant is not likely to affect RNA splicing. In summary, the available evidence is currently insufficient to determine the role of this variant in disease. Therefore, it has been classified as a Variant of Uncertain Significance.

Literature cited by the submitters: PubMed 17576681; PubMed 9536098.

NM_016151.4(TAOK2):c.1992+4G>A

Gene: TAOK2 (TAO kinase 2; plus strand). Cytogenetic location: 16p11.2.
Variant type: single nucleotide variant.
Coding change: c.1992+4G>A on transcript NM_016151.4 (MANE Select); 4 bases into the intron after coding-DNA position 1992, G replaced by A.
Molecular consequence: intron variant.
Genome position (GRCh38, 1-based): chr16:29,985,865, G>A. VCF-style: chr16-29985865-G-A. GRCh37 (hg19) VCF-style: chr16-29997186-G-A.
Other names: c.1992+4G>A (NM_004783.4, NM_001252043.2).
Identifiers: ClinVar variation 2759200 (VCV002759200.3), dbSNP rs2543654846, ClinGen allele CA2697555771.